The following is an entry in ClinVar:

NM_003906.5(MCM3AP):c.1444-20G>A

Gene: MCM3AP (minichromosome maintenance complex component 3 associated protein; minus strand). Cytogenetic location: 21q22.3.
Variant type: single nucleotide variant.
Coding change: c.1444-20G>A on transcript NM_003906.5 (MANE Select); 20 bases into the intron before coding-DNA position 1444, G replaced by A.
Molecular consequence: intron variant.
Genome position (GRCh38, 1-based): chr21:46,280,595, C>T on the plus strand (G>A on the coding strand, the complement: MCM3AP is on the minus strand). VCF-style: chr21-46280595-C-T. GRCh37 (hg19) VCF-style: chr21-47700509-C-T.
Identifiers: ClinVar variation 1488904 (VCV001488904.4), dbSNP rs924346657, ClinGen allele CA321978200.

ClinVar aggregate classification (germline): Conflicting classifications of pathogenicity. Review status: criteria provided, conflicting classifications (1 of 4 stars). 2 submissions from 2 submitters: Uncertain significance (1); Likely benign (1). Last evaluated 2024-10-25.

Allele frequency attached by ClinVar (database versions not stated): gnomAD exomes below 0.00001.
gnomAD v4.1: 112 of 1,559,274 alleles (0.0072%); highest among the groups gnomAD compares: Non-Finnish European, 0.0094%; no homozygotes.

Submissions (2):

Blueprint Genetics
Classification: Likely benign. Last evaluated: 2024-10-25. Review status: criteria provided, single submitter. Criteria: ACMG Guidelines, 2015. Collection method: clinical testing. Allele origin: germline.

Labcorp Genetics (formerly Invitae), Labcorp
Classification: Uncertain significance. Last evaluated: 2021-10-15. Review status: criteria provided, single submitter. Criteria: Invitae Variant Classification Sherloc (09022015). Collection method: clinical testing. Allele origin: germline.
Comment: This sequence change falls in intron 2 of the MCM3AP gene. It does not directly change the encoded amino acid sequence of the MCM3AP protein. This variant is not present in population databases (ExAC no frequency). This variant has not been reported in the literature in individuals affected with MCM3AP-related conditions. Algorithms developed to predict the effect of sequence changes on RNA splicing suggest that this variant may create or strengthen a splice site. In summary, the available evidence is currently insufficient to determine the role of this variant in disease. Therefore, it has been classified as a Variant of Uncertain Significance.